The following is an entry in ClinVar:

NM_194454.3(KRIT1):c.1444C>T (p.Gln482Ter)

Gene: KRIT1 (KRIT1 ankyrin repeat containing; minus strand). Cytogenetic location: 7q21.2.
Variant type: single nucleotide variant.
Coding change: c.1444C>T on transcript NM_194454.3 (MANE Select); coding-DNA position 1444, C replaced by T.
Protein change: p.Gln482Ter; replaces glutamine 482 with a stop codon.
Molecular consequence: nonsense.
Genome position (GRCh38, 1-based): chr7:92,222,021, G>A on the plus strand (C>T on the coding strand, the complement: KRIT1 is on the minus strand). VCF-style: chr7-92222021-G-A. GRCh37 (hg19) VCF-style: chr7-91851335-G-A.
Other names: c.1300C>T, p.Gln434Ter (NM_001013406.2, NM_001350669.1, NM_001350670.1); c.730C>T, p.Gln244Ter (NM_001350671.1); c.1444C>T, p.Gln482Ter (NM_001350672.1, NM_001350673.1, NM_001350674.1 and 26 more transcripts); short protein forms Q244*, Q434*, Q482*.
Identifiers: ClinVar variation 1320113 (VCV001320113.1), dbSNP rs747380313, ClinGen allele CA368146479.

ClinVar aggregate classification (germline): Pathogenic (1 of 4 stars; one submission).

Conditions:
Cerebral cavernous malformation (CCM). Also called: Cavernous Hemangioma of Brain; Cerebral cavernous malformations; CAVERNOUS ANGIOMA, FAMILIAL; CAVERNOUS ANGIOMATOUS MALFORMATIONS; CEREBRAL CAPILLARY MALFORMATIONS; Cerebral cavernous hemangioma (type). Identifiers: Orphanet 221061, MedGen C2919945, MONDO:0000820, OMIM 116860, HP:0033522.

Submission:

3billion
Classification: Pathogenic for Cerebral cavernous malformation. Last evaluated: 2021-10-02. Review status: criteria provided, single submitter. Criteria: ACMG Guidelines, 2015. Collection method: clinical testing. Allele origin: maternal. Affected: yes. Observed: 1 heterozygote.
Comment: Stop-gained (nonsense): predicted to result in a loss or disruption of normal protein function through nonsense-mediated decay (NMD) or protein truncation. Multiple pathogenic variants are reported downstream of the variant (PVS1_VS). It is not observed in the gnomAD v2.1.1 dataset (PM2). Patient's phenotype is considered compatible with Cerebral cavernous malformations-1 (3billion dataset, PP4). Therefore, this variant is classified as pathogenic according to the recommendation of ACMG/AMP guideline.